The following is an entry in ClinVar:

NM_001033044.4(GLUL):c.*1357T>G

Gene: GLUL (glutamate-ammonia ligase; minus strand). Cytogenetic location: 1q25.3.
Variant type: single nucleotide variant.
Coding change: c.*1357T>G on transcript NM_001033044.4 (MANE Select); 1357 bases downstream of the stop codon, T replaced by G.
Molecular consequence: 3 prime UTR variant.
Genome position (GRCh38, 1-based): chr1:182,383,048, A>C on the plus strand (T>G on the coding strand, the complement: GLUL is on the minus strand). VCF-style: chr1-182383048-A-C. GRCh37 (hg19) VCF-style: chr1-182352183-A-C.
Other names: c.*1357T>G (NM_001033056.4, NM_002065.7).
Identifiers: ClinVar variation 293915 (VCV000293915.5), dbSNP rs180970725, ClinGen allele CA10608439.

ClinVar aggregate classification (germline): Likely benign (1 of 4 stars; one submission).

Conditions:
Congenital brain dysgenesis due to glutamine synthetase deficiency (GLND). Also called: GLUTAMINE SYNTHASE DEFICIENCY, CONGENITAL SYSTEMIC. Identifiers: Orphanet 71278, MedGen C1864910, MONDO:0012393, OMIM 610015.

Allele frequency attached by ClinVar (database versions not stated): 1000 Genomes Project 0.00060; gnomAD 0.00153 and 0.00147; 1000 Genomes Project 30x 0.00109; TOPMed 0.00145.

Submission:

Illumina Laboratory Services, Illumina
Classification: Likely benign for Congenital brain dysgenesis due to glutamine synthetase deficiency. Last evaluated: 2018-01-12. Review status: criteria provided, single submitter. Criteria: ICSL Variant Classification Criteria 13 December 2019. Collection method: clinical testing. Allele origin: germline.
Comment: This variant was observed in the ICSL laboratory as part of a predisposition screen in an ostensibly healthy population. It had not been previously curated by ICSL or reported in the Human Gene Mutation Database (HGMD: prior to June 1st, 2018), and was therefore a candidate for classification through an automated scoring system. Utilizing variant allele frequency, disease prevalence and penetrance estimates, and inheritance mode, an automated score was calculated to assess if this variant is too frequent to cause the disease. Based on the score and internal cut-off values, a variant classified as likely benign is not then subjected to further curation. The score for this variant resulted in a classification of likely benign for this disease.